The following is an entry in ClinVar:

ClinVar aggregate classification (germline): Uncertain significance (1 of 4 stars; one submission).

Conditions:
Loeys-Dietz syndrome 2 (LDS2). Also called: TGFBR2-Related Loeys-Dietz Syndrome; Marfan syndrome, type 2 (formerly); Marfan Syndrome type 2; Marfan like connective tissue disorder; MFS 2; AORTIC ANEURYSM, FAMILIAL THORACIC 3. Identifiers: Orphanet 284973, Orphanet 558, MedGen C2674574, MONDO:0012427, OMIM 610168.

gnomAD v4.1: 7 of 1,613,850 alleles (0.00043%); highest among the groups gnomAD compares: Non-Finnish European, 0.00059%; no homozygotes.

Submission:

Labcorp Genetics (formerly Invitae), Labcorp
Classification: Uncertain significance for Loeys-Dietz syndrome 2. Last evaluated: 2023-05-09. Review status: criteria provided, single submitter. Criteria: Invitae Variant Classification Sherloc (09022015). Collection method: clinical testing. Allele origin: germline.
Comment: In summary, the available evidence is currently insufficient to determine the role of this variant in disease. Therefore, it has been classified as a Variant of Uncertain Significance. Advanced modeling of protein sequence and biophysical properties (such as structural, functional, and spatial information, amino acid conservation, physicochemical variation, residue mobility, and thermodynamic stability) performed at Invitae indicates that this missense variant is not expected to disrupt TMPO protein function. This variant has not been reported in the literature in individuals affected with TMPO-related conditions. This variant is not present in population databases (gnomAD no frequency). This sequence change replaces cysteine, which is neutral and slightly polar, with phenylalanine, which is neutral and non-polar, at codon 561 of the TMPO protein (p.Cys561Phe).

NM_001032283.3(TMPO):c.565+2101G>T

Gene: TMPO (thymopoietin; plus strand). Cytogenetic location: 12q23.1.
Variant type: single nucleotide variant.
Coding change: c.565+2101G>T on transcript NM_001032283.3 (MANE Select); 2101 bases into the intron after coding-DNA position 565, G replaced by T.
Molecular consequence: intron variant. On other transcripts: missense variant (1).
Genome position (GRCh38, 1-based): chr12:98,533,939, G>T. VCF-style: chr12-98533939-G-T. GRCh37 (hg19) VCF-style: chr12-98927717-G-T.
Other names: c.1682G>T, p.Cys561Phe (NM_003276.2); c.565+2101G>T (NM_001307975.2, NM_001032284.3); short protein forms C561F.
Identifiers: ClinVar variation 2905295 (VCV002905295.3), dbSNP rs774064196, ClinGen allele CA386153711.